The following is an entry in ClinVar:

NM_015271.5(TRIM2):c.1453T>C (p.Tyr485His)

Gene: TRIM2 (tripartite motif containing 2; plus strand). Cytogenetic location: 4q31.3.
Variant type: single nucleotide variant.
Coding change: c.1453T>C on transcript NM_015271.5 (MANE Select); coding-DNA position 1453, T replaced by C.
Protein change: p.Tyr485His; replaces tyrosine 485 with histidine.
Molecular consequence: missense variant.
Genome position (GRCh38, 1-based): chr4:153,295,979, T>C. VCF-style: chr4-153295979-T-C. GRCh37 (hg19) VCF-style: chr4-154217131-T-C.
Other names: c.1372T>C, p.Tyr458His (NM_001130067.2, NM_001351056.2, NM_001375512.1 and 5 more transcripts); c.1426T>C, p.Tyr476His (NM_001351054.2); c.1423T>C, p.Tyr475His (NM_001351055.2); c.997T>C, p.Tyr333His (NM_001351057.2); c.1546T>C, p.Tyr516His (NM_001375488.1); c.1543T>C, p.Tyr515His (NM_001375489.1); c.1396T>C, p.Tyr466His (NM_001375490.1); c.1114T>C, p.Tyr372His (NM_001375523.1, NM_001375525.1, NM_001375522.1); and 3 more; short protein forms Y333H, Y372H, Y373H, Y374H, Y458H, Y465H, Y466H, Y475H.
Identifiers: ClinVar variation 1721221 (VCV001721221.5), dbSNP rs2546531452, ClinGen allele CA358473748.
Genomic context (GRCh38, chr4:153,295,979, plus strand): 5'-GTTAAGTCCCCGGGGAGCGGCCACGTCAAGCAGAAAGCTGTGAAAAGACCCGCAAGCATG[T>C]ACAGCACTGGAAAACGAAAAGAGAATCCCATCGAAGACGATTTGATCTTTCGAGTGGGTA-3'
Protein context (NP_056086.2, residues 475-495): QKAVKRPASM[Tyr485His]STGKRKENPI

ClinVar aggregate classification (germline): Uncertain significance (1 of 4 stars; one submission).

Conditions:
Charcot-Marie-Tooth disease type 2R. Also called: CHARCOT-MARIE-TOOTH DISEASE, AXONAL, AUTOSOMAL RECESSIVE, TYPE 2R; Charcot-Marie-Tooth disease, axonal, type 2R; CHARCOT-MARIE-TOOTH NEUROPATHY, TYPE 2R. Identifiers: Orphanet 397968, MedGen C3809655, MONDO:0014208, OMIM 615490.

Submission:

Labcorp Genetics (formerly Invitae), Labcorp
Classification: Uncertain significance for Charcot-Marie-Tooth disease type 2R. Last evaluated: 2023-08-17. Review status: criteria provided, single submitter. Criteria: Invitae Variant Classification Sherloc (09022015). Collection method: clinical testing. Allele origin: germline.
Comment: In summary, the available evidence is currently insufficient to determine the role of this variant in disease. Therefore, it has been classified as a Variant of Uncertain Significance. An algorithm developed to predict the effect of missense changes on protein structure and function (PolyPhen-2) suggests that this variant is likely to be tolerated. ClinVar contains an entry for this variant (Variation ID: 1721221). This variant has not been reported in the literature in individuals affected with TRIM2-related conditions. This variant is not present in population databases (gnomAD no frequency). This sequence change replaces tyrosine, which is neutral and polar, with histidine, which is basic and polar, at codon 458 of the TRIM2 protein (p.Tyr458His).